The following is an entry in ClinVar:

NM_000138.5(FBN1):c.4511A>T (p.Asn1504Ile)

Gene: FBN1 (fibrillin 1; minus strand). Cytogenetic location: 15q21.1.
Variant type: single nucleotide variant.
Coding change: c.4511A>T on transcript NM_000138.5 (MANE Select); coding-DNA position 4511, A replaced by T.
Protein change: p.Asn1504Ile; replaces asparagine 1504 with isoleucine.
Molecular consequence: missense variant.
Genome position (GRCh38, 1-based): chr15:48,468,483, T>A on the plus strand (A>T on the coding strand, the complement: FBN1 is on the minus strand). VCF-style: chr15-48468483-T-A. GRCh37 (hg19) VCF-style: chr15-48760680-T-A.
Other names: short protein forms N1504I.
Identifiers: ClinVar variation 933374 (VCV000933374.9), dbSNP rs1555397209, ClinGen allele CA392353609.

ClinVar aggregate classification (germline): Likely pathogenic (1 of 4 stars; one submission).

Conditions:
Familial thoracic aortic aneurysm and aortic dissection (TAAD). Also called: Thoracic aortic aneurysms and dissections. Identifiers: Orphanet 91387, MedGen C4707243, MONDO:0019625.
Marfan syndrome (MFS). Also called: Marfan syndrome, classic; Marfan syndrome type 1; Marfan's syndrome; FBN1-Related Marfan Syndrome; MARFAN SYNDROME, TYPE I. Identifiers: Orphanet 284963, Orphanet 558, MedGen C0024796, MONDO:0007947, OMIM 154700.

Submission:

Labcorp Genetics (formerly Invitae), Labcorp
Classification: Likely pathogenic for Marfan syndrome; Familial thoracic aortic aneurysm and aortic dissection. Last evaluated: 2020-10-05. Review status: criteria provided, single submitter. Criteria: Invitae Variant Classification Sherloc (09022015). Collection method: clinical testing. Allele origin: germline.
Comment: This sequence change replaces asparagine with isoleucine at codon 1504 of the FBN1 protein (p.Asn1504Ile). The asparagine residue is highly conserved and there is a large physicochemical difference between asparagine and isoleucine. This variant is not present in population databases (ExAC no frequency). Algorithms developed to predict the effect of missense changes on protein structure and function (SIFT, PolyPhen-2, Align-GVGD) all suggest that this variant is likely to be disruptive, but these predictions have not been confirmed by published functional studies and their clinical significance is uncertain. This variant disrupts the p.Asn1504 amino acid residue in FBN1. Other variant(s) that disrupt this residue have been observed in individuals with FBN1-related conditions (PMID: 27906200, Invitae), which suggests that this may be a clinically significant amino acid residue. In summary, the currently available evidence indicates that the variant is pathogenic, but additional data are needed to prove that conclusively. Therefore, this variant has been classified as Likely Pathogenic.

Literature cited by the submitters: PubMed 27906200.